The following is an entry in ClinVar:

ClinVar aggregate classification (germline): Likely benign (0 of 4 stars; one submission).

Conditions:
FLT4-related disorder. Also called: FLT4-related condition.

gnomAD v4.1: 47 of 1,613,026 alleles (0.0029%); highest among the groups gnomAD compares: Admixed American, 0.023%; no homozygotes.

Submission:

PreventionGenetics, part of Exact Sciences
Classification: Likely benign for FLT4-related condition. Last evaluated: 2019-02-27. Review status: no assertion criteria provided. Collection method: clinical testing. Allele origin: germline.
Comment: This variant is classified as likely benign based on ACMG/AMP sequence variant interpretation guidelines (Richards et al. 2015 PMID: 25741868, with internal and published modifications).

NM_182925.5(FLT4):c.897C>T (p.Asn299=)

Gene: FLT4 (fms related receptor tyrosine kinase 4; minus strand). Cytogenetic location: 5q35.3.
Variant type: single nucleotide variant.
Coding change: c.897C>T on transcript NM_182925.5 (MANE Select); coding-DNA position 897, C replaced by T.
Protein change: p.Asn299=; no amino-acid change (asparagine 299 retained).
Molecular consequence: synonymous variant.
Genome position (GRCh38, 1-based): chr5:180,629,347, G>A on the plus strand (C>T on the coding strand, the complement: FLT4 is on the minus strand). VCF-style: chr5-180629347-G-A. GRCh37 (hg19) VCF-style: chr5-180056347-G-A.
Other names: c.897C>T, p.Asn299= (NM_001354989.2, NM_002020.5).
Identifiers: ClinVar variation 3047182 (VCV003047182.2), dbSNP rs138606846, ClinGen allele CA3606959.